The following is an entry in ClinVar:

ClinVar aggregate classification (germline): Likely benign. Review status: criteria provided, single submitter (1 of 4 stars). 2 submissions from 2 submitters: Likely benign (1). 1 of the submissions does not count toward it. Last evaluated 2026-02-03.

Conditions:
SCARB1-related disorder. Also called: SCARB1-related condition.

Allele frequency attached by ClinVar (database versions not stated): 1000 Genomes Project 0.00060; TOPMed 0.00004; gnomAD 0.00015; gnomAD exomes 0.00021; 1000 Genomes Project 30x 0.00047; ExAC 0.00058.
gnomAD v4.1: 341 of 1,614,128 alleles (0.021%); highest among the groups gnomAD compares: South Asian, 0.35%; 5 homozygotes.

Submissions (2):

Labcorp Genetics (formerly Invitae), Labcorp
Classification: Likely benign. Last evaluated: 2026-02-03. Review status: criteria provided, single submitter. Criteria: Invitae Variant Classification Sherloc (09022015). Collection method: clinical testing. Allele origin: germline.

PreventionGenetics, part of Exact Sciences
Classification: Likely benign for SCARB1-related condition. Last evaluated: 2019-12-09. Review status: no assertion criteria provided. Collection method: clinical testing. Allele origin: germline. Not counted in ClinVar's aggregate classification.
Comment: This variant is classified as likely benign based on ACMG/AMP sequence variant interpretation guidelines (Richards et al. 2015 PMID: 25741868, with internal and published modifications).

NM_005505.5(SCARB1):c.1008C>T (p.Phe336=)

Gene: SCARB1 (scavenger receptor class B member 1; minus strand). Cytogenetic location: 12q24.31.
Variant type: single nucleotide variant.
Coding change: c.1008C>T on transcript NM_005505.5 (MANE Select); coding-DNA position 1008, C replaced by T.
Protein change: p.Phe336=; no amino-acid change (phenylalanine 336 retained).
Molecular consequence: synonymous variant. On other transcripts: non-coding transcript variant (8), intron variant (2).
Genome position (GRCh38, 1-based): chr12:124,807,762, G>A on the plus strand (C>T on the coding strand, the complement: SCARB1 is on the minus strand). VCF-style: chr12-124807762-G-A. GRCh37 (hg19) VCF-style: chr12-125292308-G-A.
Other names: c.1008C>T, p.Phe336= (NM_001082959.2, NM_001367981.1, NM_001367983.1 and 3 more transcripts); c.885C>T, p.Phe295= (NM_001367982.1); c.984C>T, p.Phe328= (NM_001367985.1); c.726+4108C>T (NM_001367988.1); c.1004+4C>T (NM_001367987.1); c.1008C>T (NM_005505.4).
Identifiers: ClinVar variation 3014020 (VCV003014020.5), dbSNP rs561960354, ClinGen allele CA6870369.